The following is an entry in ClinVar:

NM_000179.3(MSH6):c.3158G>C (p.Cys1053Ser)

Gene: MSH6 (mutS homolog 6; plus strand). Cytogenetic location: 2p16.3.
Variant type: single nucleotide variant.
Coding change: c.3158G>C on transcript NM_000179.3 (MANE Select); coding-DNA position 3158, G replaced by C.
Protein change: p.Cys1053Ser; replaces cysteine 1053 with serine.
Molecular consequence: missense variant.
Genome position (GRCh38, 1-based): chr2:47,801,141, G>C. VCF-style: chr2-47801141-G-C. GRCh37 (hg19) VCF-style: chr2-48028280-G-C.
Other names: c.2768G>C, p.Cys923Ser (NM_001281492.2); c.2252G>C, p.Cys751Ser (NM_001281493.2, NM_001281494.2, NM_001406811.1 and 6 more transcripts); c.3254G>C, p.Cys1085Ser (NM_001406795.1, NM_001406802.1); c.3158G>C, p.Cys1053Ser (NM_001406796.1, NM_001406798.1, NM_001406800.1 and 2 more transcripts); c.2861G>C, p.Cys954Ser (NM_001406797.1, NM_001406801.1, NM_001406805.1 and 10 more transcripts); c.2633G>C, p.Cys878Ser (NM_001406799.1, NM_001406806.1, NM_001406807.1); c.3080G>C, p.Cys1027Ser (NM_001406804.1); c.3164G>C, p.Cys1055Ser (NM_001406813.1); and 2 more; short protein forms C1055S, C923S, C1053S, C1085S, C368S, C878S, C954S, C1027S.
Identifiers: ClinVar variation 1728255 (VCV001728255.5), dbSNP rs1553414572, ClinGen allele CA346756725.

ClinVar aggregate classification (germline): Uncertain significance. Review status: criteria provided, multiple submitters, no conflicts (2 of 4 stars). 2 submissions from 2 submitters: Uncertain significance (2). Last evaluated 2024-01-31.

Conditions:
Hereditary cancer-predisposing syndrome. Also called: Tumor predisposition; Neoplastic Syndromes, Hereditary; Hereditary Cancer Syndrome; Hereditary neoplastic syndrome. Identifiers: Orphanet 140162, MedGen C0027672, MeSH D009386, MONDO:0015356.
Hereditary nonpolyposis colorectal neoplasms. Identifiers: MedGen C0009405, MeSH D003123.

Submissions (2):

Labcorp Genetics (formerly Invitae), Labcorp
Classification: Uncertain significance for Hereditary nonpolyposis colorectal neoplasms. Last evaluated: 2024-01-31. Review status: criteria provided, single submitter. Criteria: Invitae Variant Classification Sherloc (09022015). Collection method: clinical testing. Allele origin: germline.
Comment: This sequence change replaces cysteine, which is neutral and slightly polar, with serine, which is neutral and polar, at codon 1053 of the MSH6 protein (p.Cys1053Ser). This variant is not present in population databases (gnomAD no frequency). This variant has not been reported in the literature in individuals affected with MSH6-related conditions. ClinVar contains an entry for this variant (Variation ID: 1728255). Advanced modeling of protein sequence and biophysical properties (such as structural, functional, and spatial information, amino acid conservation, physicochemical variation, residue mobility, and thermodynamic stability) performed at Invitae indicates that this missense variant is not expected to disrupt MSH6 protein function with a negative predictive value of 95%. In summary, the available evidence is currently insufficient to determine the role of this variant in disease. Therefore, it has been classified as a Variant of Uncertain Significance.

Ambry Genetics
Classification: Uncertain significance for Hereditary cancer-predisposing syndrome. Last evaluated: 2021-01-07. Review status: criteria provided, single submitter. Criteria: Ambry Variant Classification Scheme 2023. Collection method: clinical testing. Allele origin: germline.
Comment: The p.C1053S variant (also known as c.3158G>C), located in coding exon 4 of the MSH6 gene, results from a G to C substitution at nucleotide position 3158. The cysteine at codon 1053 is replaced by serine, an amino acid with dissimilar properties. This amino acid position is highly conserved in available vertebrate species. In addition, this alteration is predicted to be deleterious by in silico analysis. Since supporting evidence is limited at this time, the clinical significance of this alteration remains unclear.